The following is an entry in ClinVar:

ClinVar aggregate classification (germline): Pathogenic (1 of 4 stars; one submission).

Conditions:
VPS13A-related neurodegenerative disease. Also called: ACANTHOCYTOSIS WITH NEUROLOGIC DISORDER; LEVINE-CRITCHLEY SYNDROME; Choreoacanthocytosis; Chorea-acanthocytosis; Choreaacanthocytosis; VPS13A Disease. Identifiers: Orphanet 2388, MedGen C0393576, MONDO:0008695, OMIM 200150.

Submission:

Myriad Genetics, Inc.
Classification: Pathogenic for VPS13A-related neurodegenerative disease. Last evaluated: 2025-03-27. Review status: criteria provided, single submitter. Criteria: Myriad Autosomal Dominant, Autosomal Recessive and X-Linked Classification Criteria (2023). Collection method: clinical testing. Allele origin: unknown.
Comment: NM_033305.2(VPS13A):c.4609delA(T1537Hfs*14) is expected to be pathogenic in the context of VPS13A disease. This variant is predicted to lead to an abnormal or absent protein product due to the creation of a premature termination codon in VPS13A, a gene where loss-of-function variants are known to be pathogenic. Please note: this variant was assessed in the context of healthy population screening.

NM_033305.3(VPS13A):c.4609del (p.Thr1537fs)

Gene: VPS13A (vacuolar protein sorting 13 homolog A; plus strand). Cytogenetic location: 9q21.2.
Variant type: Deletion.
Coding change: c.4609del on transcript NM_033305.3 (MANE Select); coding-DNA position 4609, one base deleted (A; older notation c.4609delA).
Protein change: p.Thr1537fs; shifts the reading frame from threonine 1537.
Molecular consequence: frameshift variant.
Genome position (GRCh38, 1-based): chr9:77,315,449, A deleted; the last of 3 consecutive A bases (chr9:77,315,447-77,315,449); deleting any one gives the same sequence. VCF-style (leftmost placement, unchanged base first): chr9-77315446-CA-C. GRCh37 (hg19) VCF-style: chr9-79930362-CA-C.
Other names: c.4492del, p.Thr1498fs (NM_001018037.2); c.4609del, p.Thr1537fs (NM_001018038.3, NM_015186.4); short protein forms T1498fs, T1537fs.
Identifiers: ClinVar variation 5014266 (VCV005014266.1).
Genomic context (GRCh38, chr9:77,315,446, plus strand): 5'-ACTGTTGCAAATGTCTTTCTTGAGGCCTACACCACAGGCACTGCTGTAGAAACCAGTGTG[CA>C]AACATGGACTGCTAAGGAAGAAGGTTAGTTATTGGCTAAAATATTTAATATTTGTTTTAT-3'